The following is an entry in ClinVar:

NM_001903.5(CTNNA1):c.421T>G (p.Leu141Val)

Gene: CTNNA1 (catenin alpha 1; plus strand). Cytogenetic location: 5q31.2.
Variant type: single nucleotide variant.
Coding change: c.421T>G on transcript NM_001903.5 (MANE Select); coding-DNA position 421, T replaced by G.
Protein change: p.Leu141Val; replaces leucine 141 with valine.
Molecular consequence: missense variant.
Genome position (GRCh38, 1-based): chr5:138,810,157, T>G. VCF-style: chr5-138810157-T-G. GRCh37 (hg19) VCF-style: chr5-138145846-T-G.
Other names: c.421T>G, p.Leu141Val (NM_001290307.3, NM_001323982.2, NM_001323983.1 and 3 more transcripts); c.112T>G, p.Leu38Val (NM_001290309.3); c.52T>G, p.Leu18Val (NM_001290310.3); short protein forms L38V, L141V, L18V.
Identifiers: ClinVar variation 1487493 (VCV001487493.6), dbSNP rs2149727440, ClinGen allele CA361123387.

ClinVar aggregate classification (germline): Uncertain significance (1 of 4 stars; one submission).

Submission:

Labcorp Genetics (formerly Invitae), Labcorp
Classification: Uncertain significance. Last evaluated: 2024-02-24. Review status: criteria provided, single submitter. Criteria: Invitae Variant Classification Sherloc (09022015). Collection method: clinical testing. Allele origin: germline.
Comment: This sequence change replaces leucine, which is neutral and non-polar, with valine, which is neutral and non-polar, at codon 141 of the CTNNA1 protein (p.Leu141Val). This variant is not present in population databases (gnomAD no frequency). This variant has not been reported in the literature in individuals affected with CTNNA1-related conditions. ClinVar contains an entry for this variant (Variation ID: 1487493). Advanced modeling of protein sequence and biophysical properties (such as structural, functional, and spatial information, amino acid conservation, physicochemical variation, residue mobility, and thermodynamic stability) performed at Invitae indicates that this missense variant is not expected to disrupt CTNNA1 protein function with a negative predictive value of 80%. In summary, the available evidence is currently insufficient to determine the role of this variant in disease. Therefore, it has been classified as a Variant of Uncertain Significance.